The following is an entry in ClinVar:

NM_005159.5(ACTC1):c.659A>G (p.Tyr220Cys)

Genes: ACTC1 (actin alpha cardiac muscle 1; minus strand), GJD2-DT (GJD2 divergent transcript; plus strand). Cytogenetic location: 15q14.
Variant type: single nucleotide variant.
Coding change: c.659A>G on transcript NM_005159.5 (MANE Select); coding-DNA position 659, A replaced by G.
Protein change: p.Tyr220Cys; replaces tyrosine 220 with cysteine.
Molecular consequence: missense variant.
Genome position (GRCh38, 1-based): chr15:34,792,239, T>C on the plus strand (A>G on the coding strand, the complement: ACTC1 is on the minus strand). VCF-style: chr15-34792239-T-C. GRCh37 (hg19) VCF-style: chr15-35084440-T-C.
Other names: p.Tyr220Cys; c.659A>G, p.Tyr220Cys (NM_001406482.1, NM_001406483.1); c.524A>G, p.Tyr175Cys (NM_001406484.1); c.218A>G, p.Tyr73Cys (NM_001406485.1); short protein forms Y175C, Y220C, Y73C.
Identifiers: ClinVar variation 2683287 (VCV002683287.1), dbSNP rs2504180304, ClinGen allele CA391630664.

ClinVar aggregate classification (germline): Uncertain significance (1 of 4 stars; one submission).

Submission:

Mayo Clinic Laboratories, Mayo Clinic
Classification: Uncertain significance. Last evaluated: 2023-04-17. Review status: criteria provided, single submitter. Criteria: ACMG Guidelines, 2015. Collection method: clinical testing. Allele origin: germline. Observed: 1 variant allele.
Comment: PP2, PP3, PM1, PM2_supporting

Literature cited by the submitters: PubMed 30188508; PubMed 30384889.